The following is an entry in ClinVar:

ClinVar aggregate classification (germline): Uncertain significance. Review status: criteria provided, multiple submitters, no conflicts (2 of 4 stars). 2 submissions from 2 submitters: Uncertain significance (2). Last evaluated 2026-01-06.

Conditions:
Combined immunodeficiency due to OX40 deficiency. Also called: OX40 DEFICIENCY; Immunodeficiency 16. Identifiers: Orphanet 431149, MedGen C3810053, MONDO:0014268, OMIM 615593.

Allele frequency attached by ClinVar (database versions not stated): TOPMed 0.00010; 1000 Genomes Project 30x 0.00016.
gnomAD v4.1: 70 of 1,586,918 alleles (0.0044%); highest among the groups gnomAD compares: Admixed American, 0.08%; no homozygotes.

Submissions (2):

Labcorp Genetics (formerly Invitae), Labcorp
Classification: Uncertain significance for Combined immunodeficiency due to OX40 deficiency. Last evaluated: 2026-01-06. Review status: criteria provided, single submitter. Criteria: Invitae Variant Classification Sherloc (09022015). Collection method: clinical testing. Allele origin: germline.
Comment: This sequence change replaces proline, which is neutral and non-polar, with arginine, which is basic and polar, at codon 12 of the TNFRSF4 protein (p.Pro12Arg). This variant is present in population databases (rs771462465, gnomAD 0.06%), and has an allele count higher than expected for a pathogenic variant. This variant has not been reported in the literature in individuals affected with TNFRSF4-related conditions. ClinVar contains an entry for this variant (Variation ID: 845726). Experimental studies and prediction algorithms are not available or were not evaluated, and the functional significance of this variant is currently unknown. In summary, the available evidence is currently insufficient to determine the role of this variant in disease. Therefore, it has been classified as a Variant of Uncertain Significance.

Ambry Genetics
Classification: Uncertain significance. Last evaluated: 2021-08-12. Review status: criteria provided, single submitter. Criteria: Ambry Variant Classification Scheme 2023. Collection method: clinical testing. Allele origin: germline.

NM_003327.4(TNFRSF4):c.35C>G (p.Pro12Arg)

Gene: TNFRSF4 (TNF receptor superfamily member 4; minus strand). Cytogenetic location: 1p36.33.
Variant type: single nucleotide variant.
Coding change: c.35C>G on transcript NM_003327.4 (MANE Select); coding-DNA position 35, C replaced by G.
Protein change: p.Pro12Arg; replaces proline 12 with arginine.
Molecular consequence: missense variant.
Genome position (GRCh38, 1-based): chr1:1,214,093, G>C on the plus strand (C>G on the coding strand, the complement: TNFRSF4 is on the minus strand). VCF-style: chr1-1214093-G-C. GRCh37 (hg19) VCF-style: chr1-1149473-G-C.
Other names: short protein forms P12R.
Identifiers: ClinVar variation 845726 (VCV000845726.9), dbSNP rs771462465, ClinGen allele CA512701.